The following is an entry in ClinVar:

ClinVar aggregate classification (germline): Pathogenic (1 of 4 stars; one submission).

Conditions:
Diets-Jongmans syndrome. Also called: INTELLECTUAL DEVELOPMENTAL DISORDER WITH DISTINCTIVE FACIAL DYSMORPHISM. Identifiers: MedGen C5394263, MONDO:0030012, OMIM 618846.

Submission:

Genetics Laboratory, UDIAT-Centre Diagnòstic, Hospital Universitari Parc Tauli
Classification: Pathogenic for Diets-Jongmans syndrome. Last evaluated: 2023-03-21. Review status: criteria provided, single submitter. Criteria: ACMG Guidelines, 2015. Collection method: clinical testing. Allele origin: unknown. Inheritance: Autosomal dominant inheritance. Affected: yes.
Comment: PVS1_very strong;PM2_supporting;PM6_moderate

NM_016604.4(KDM3B):c.1448dup (p.Leu483fs)

Gene: KDM3B (lysine demethylase 3B; plus strand). Cytogenetic location: 5q31.2.
Variant type: Duplication.
Coding change: c.1448dup on transcript NM_016604.4 (MANE Select); coding-DNA position 1448, one base duplicated (T; older notation c.1448dupT).
Protein change: p.Leu483fs; shifts the reading frame from leucine 483.
Molecular consequence: frameshift variant.
Genome position (GRCh38, 1-based): chr5:138,391,080, T duplicated; the last of 3 consecutive T bases (chr5:138,391,078-138,391,080); duplicating any one gives the same sequence. VCF-style (leftmost placement, unchanged base first): chr5-138391077-C-CT. GRCh37 (hg19) VCF-style: chr5-137726766-C-CT.
Other names: short protein forms L483fs.
Identifiers: ClinVar variation 3897596 (VCV003897596.1).